The following is an entry in ClinVar:

ClinVar aggregate classification (germline): Uncertain significance. Review status: criteria provided, multiple submitters, no conflicts (2 of 4 stars). 3 submissions from 3 submitters: Uncertain significance (3). Last evaluated 2024-09-23.

Conditions:
Inborn genetic diseases. Identifiers: MedGen C0950123, MeSH D030342.

Allele frequency attached by ClinVar (database versions not stated): TOPMed 0.00002.
gnomAD v4.1: 2 of 1,612,682 alleles (0.00012%); highest among the groups gnomAD compares: Non-Finnish European, 0.000085%; no homozygotes.

Submissions (3):

Labcorp Genetics (formerly Invitae), Labcorp
Classification: Uncertain significance. Last evaluated: 2024-09-23. Review status: criteria provided, single submitter. Criteria: Invitae Variant Classification Sherloc (09022015). Collection method: clinical testing. Allele origin: germline.
Comment: This sequence change replaces glutamic acid, which is acidic and polar, with lysine, which is basic and polar, at codon 1144 of the AUTS2 protein (p.Glu1144Lys). This variant is not present in population databases (gnomAD no frequency). This variant has not been reported in the literature in individuals affected with AUTS2-related conditions. Invitae Evidence Modeling of protein sequence and biophysical properties (such as structural, functional, and spatial information, amino acid conservation, physicochemical variation, residue mobility, and thermodynamic stability) indicates that this missense variant is expected to disrupt AUTS2 protein function with a positive predictive value of 80%. In summary, the available evidence is currently insufficient to determine the role of this variant in disease. Therefore, it has been classified as a Variant of Uncertain Significance.

Women's Health and Genetics/Laboratory Corporation of America, LabCorp
Classification: Uncertain significance. Last evaluated: 2024-04-12. Review status: criteria provided, single submitter. Criteria: LabCorp Variant Classification Summary - May 2015. Collection method: clinical testing. Allele origin: germline.
Comment: Variant summary: AUTS2 c.3430G>A (p.Glu1144Lys) results in a conservative amino acid change in the encoded protein sequence. Three of five in-silico tools predict a benign effect of the variant on protein function. The frequency data for this variant in gnomAD is considered unreliable, as metrics indicate poor data quality at this position. To our knowledge, no occurrence of c.3430G>A in individuals affected with Autism Spectrum Disorder Due To AUTS2 Deficiency and no experimental evidence demonstrating its impact on protein function have been reported. No submitters have cited clinical-significance assessments for this variant to ClinVar. Based on the evidence outlined above, the variant was classified as uncertain significance.

Ambry Genetics
Classification: Uncertain significance for Inborn genetic diseases. Last evaluated: 2024-01-16. Review status: criteria provided, single submitter. Criteria: Ambry Variant Classification Scheme 2023. Collection method: clinical testing. Allele origin: germline.

NM_015570.4(AUTS2):c.3430G>A (p.Glu1144Lys)

Gene: AUTS2 (activator of transcription and developmental regulator AUTS2; plus strand). Cytogenetic location: 7q11.22.
Variant type: single nucleotide variant.
Coding change: c.3430G>A on transcript NM_015570.4 (MANE Select); coding-DNA position 3430, G replaced by A.
Protein change: p.Glu1144Lys; replaces glutamic acid 1144 with lysine.
Molecular consequence: missense variant.
Genome position (GRCh38, 1-based): chr7:70,790,646, G>A. VCF-style: chr7-70790646-G-A. GRCh37 (hg19) VCF-style: chr7-70255632-G-A.
Other names: c.3358G>A, p.Glu1120Lys (NM_001127231.3); short protein forms E1144K, E1120K.
Identifiers: ClinVar variation 3132366 (VCV003132366.4), dbSNP rs1791874163, ClinGen allele CA367666180.